The following is an entry in ClinVar:

ClinVar aggregate classification (germline): Uncertain significance (1 of 4 stars; one submission).

Submission:

Labcorp Genetics (formerly Invitae), Labcorp
Classification: Uncertain significance. Last evaluated: 2024-11-04. Review status: criteria provided, single submitter. Criteria: Invitae Variant Classification Sherloc (09022015). Collection method: clinical testing. Allele origin: germline.
Comment: This variant, c.3261_3263del, results in the deletion of 1 amino acid(s) of the TET2 protein (p.Ser1088del), but otherwise preserves the integrity of the reading frame. This variant is not present in population databases (gnomAD no frequency). This variant has not been reported in the literature in individuals affected with TET2-related conditions. Experimental studies and prediction algorithms are not available or were not evaluated, and the functional significance of this variant is currently unknown. In summary, the available evidence is currently insufficient to determine the role of this variant in disease. Therefore, it has been classified as a Variant of Uncertain Significance.

NM_001127208.3(TET2):c.3258TTC[1] (p.Ser1088del)

Genes: TET2 (tet methylcytosine dioxygenase 2; plus strand), TET2-AS1 (TET2 antisense RNA 1; minus strand). Cytogenetic location: 4q24.
Variant type: Microsatellite.
Coding change: c.3258TTC[1] on transcript NM_001127208.3 (MANE Select); one copy of the 3-base unit TTC starting at c.3258; the reference has two copies in a row; one copy, 3 bases deleted.
Protein change: p.Ser1088del; deletes serine 1088.
Genome position (GRCh38, 1-based): chr4:105,237,203-105,237,205, TTC deleted; deleting any 3 consecutive bases within chr4:105,237,199-105,237,205 gives the same sequence; the position shown is the placement nearest the transcript's 3' end. VCF-style (leftmost placement, unchanged base first): chr4-105237198-ACTT-A. GRCh37 (hg19) VCF-style: chr4-106158355-ACTT-A.
Other names: c.3258TTC[1], p.Ser1088del (NM_017628.4); short protein forms S1088del.
Identifiers: ClinVar variation 3663328 (VCV003663328.2).